The following is an entry in ClinVar:

NM_015158.5(KANK1):c.3772G>T (p.Ala1258Ser)

Gene: KANK1 (KN motif and ankyrin repeat domains 1; plus strand). Cytogenetic location: 9p24.3.
Variant type: single nucleotide variant.
Coding change: c.3772G>T on transcript NM_015158.5 (MANE Select); coding-DNA position 3772, G replaced by T.
Protein change: p.Ala1258Ser; replaces alanine 1258 with serine.
Molecular consequence: missense variant. On other transcripts: non-coding transcript variant (1).
Genome position (GRCh38, 1-based): chr9:742,280, G>T. VCF-style: chr9-742280-G-T. GRCh37 (hg19) VCF-style: chr9-742280-G-T.
Other names: c.3772G>T, p.Ala1258Ser (NM_001256876.3, NM_001256877.3, NM_001354334.2); c.3532G>T, p.Ala1178Ser (NM_001354331.2); c.3718G>T, p.Ala1240Ser (NM_001354332.2); c.3298G>T, p.Ala1100Ser (NM_001354333.2, NM_001354335.2, NM_001354337.2 and 2 more transcripts); c.3004G>T, p.Ala1002Ser (NM_001354336.2); c.3244G>T, p.Ala1082Ser (NM_001354338.2, NM_001354340.2, NM_001354344.2); c.3058G>T, p.Ala1020Ser (NM_001354339.2, NM_001354342.2, NM_001354343.2); short protein forms A1178S, A1082S, A1240S, A1002S, A1020S, A1100S, A1258S.
Identifiers: ClinVar variation 781919 (VCV000781919.26), dbSNP rs113362230, ClinGen allele CA4961166.

ClinVar aggregate classification (germline): Likely benign. Review status: criteria provided, multiple submitters, no conflicts (2 of 4 stars). 5 submissions from 5 submitters: Likely benign (3). 2 of the submissions do not count toward it. Last evaluated 2026-01-27.

Conditions:
Rare genetic intellectual disability. Identifiers: Orphanet 183757, MedGen C5680527.
KANK1-related disorder. Also called: KANK1-related condition.

Allele frequency attached by ClinVar (database versions not stated): 1000 Genomes Project 30x 0.00016; gnomAD 0.00019; 1000 Genomes Project 0.00020; ExAC 0.00038; ESP Exome Variant Server 0.00038; TOPMed 0.00042; gnomAD exomes 0.00049.
gnomAD v4.1: 470 of 1,614,198 alleles (0.029%); highest among the groups gnomAD compares: African/African-American, 0.071%; 1 homozygote.

Submissions (5):

Labcorp Genetics (formerly Invitae), Labcorp
Classification: Likely benign. Last evaluated: 2026-01-27. Review status: criteria provided, single submitter. Criteria: Invitae Variant Classification Sherloc (09022015). Collection method: clinical testing. Allele origin: germline.

CeGaT Center for Human Genetics Tuebingen
Classification: Likely benign. Last evaluated: 2024-11-01. Review status: criteria provided, single submitter. Criteria: CeGaT Center For Human Genetics Tuebingen Variant Classification Criteria Version 2. Collection method: clinical testing. Allele origin: germline. Affected: yes. Observed: 1 variant allele.
Comment: KANK1: BS2

Breakthrough Genomics
Classification: Likely benign. Review status: criteria provided, single submitter. Criteria: ACMG Guidelines, 2015. Collection method: not provided. Allele origin: germline. Inheritance: Unknown mechanism. Affected: yes.

PreventionGenetics, part of Exact Sciences
Classification: Likely benign for KANK1-related condition. Last evaluated: 2022-01-25. Review status: no assertion criteria provided. Collection method: clinical testing. Allele origin: germline. Not counted in ClinVar's aggregate classification.
Comment: This variant is classified as likely benign based on ACMG/AMP sequence variant interpretation guidelines (Richards et al. 2015 PMID: 25741868, with internal and published modifications).

Service de Génétique Moléculaire, Hôpital Robert Debré
Classification: Uncertain significance for Rare genetic intellectual disability. Review status: no assertion criteria provided. Collection method: clinical testing. Allele origin: paternal. Not counted in ClinVar's aggregate classification.